The following is an entry in ClinVar:

NM_018131.5(CEP55):c.181G>A (p.Glu61Lys)

Gene: CEP55 (centrosomal protein 55; plus strand). Cytogenetic location: 10q23.33.
Variant type: single nucleotide variant.
Coding change: c.181G>A on transcript NM_018131.5 (MANE Select); coding-DNA position 181, G replaced by A.
Protein change: p.Glu61Lys; replaces glutamic acid 61 with lysine.
Molecular consequence: missense variant.
Genome position (GRCh38, 1-based): chr10:93,500,232, G>A. VCF-style: chr10-93500232-G-A. GRCh37 (hg19) VCF-style: chr10-95259989-G-A.
Other names: c.181G>A, p.Glu61Lys (NM_001127182.2); short protein forms E61K.
Identifiers: ClinVar variation 2589883 (VCV002589883.4), dbSNP rs551482419, ClinGen allele CA5608831.

ClinVar aggregate classification (germline): Conflicting classifications of pathogenicity. Review status: criteria provided, conflicting classifications (1 of 4 stars). 2 submissions from 2 submitters: Uncertain significance (1); Likely benign (1). Last evaluated 2025-01-17.

Conditions:
Inborn genetic diseases. Identifiers: MedGen C0950123, MeSH D030342.

Allele frequency attached by ClinVar (database versions not stated): TOPMed 0.00002; gnomAD 0.00005; gnomAD exomes 0.00008; 1000 Genomes Project 30x 0.00016; ExAC 0.00017; 1000 Genomes Project 0.00020.
gnomAD v4.1: 121 of 1,605,544 alleles (0.0075%); highest among the groups gnomAD compares: South Asian, 0.13%; 2 homozygotes.

Submissions (2):

Women's Health and Genetics/Laboratory Corporation of America, LabCorp
Classification: Uncertain significance. Last evaluated: 2025-01-17. Review status: criteria provided, single submitter. Criteria: LabCorp Variant Classification Summary - May 2015. Collection method: clinical testing. Allele origin: germline.
Comment: Variant summary: CEP55 c.181G>A (p.Glu61Lys) results in a conservative amino acid change in the encoded protein sequence. Three of five in-silico tools predict a damaging effect of the variant on protein function. Consensus agreement among computation tools predict no significant impact on normal splicing. However, these predictions have yet to be confirmed by functional studies. The variant allele was found at a frequency of 0.00019 in 242488 control chromosomes (gnomAD). This frequency is not significantly higher than estimated for a pathogenic variant in CEP55 causing Multinucleated Neurons-Anhydramnios Dysplasia-Cerebellar Hypoplasia-Hydranencephaly Syndrome, allowing no conclusion about variant significance. To our knowledge, no occurrence of c.181G>A in individuals affected with Multinucleated Neurons-Anhydramnios Dysplasia-Cerebellar Hypoplasia-Hydranencephaly Syndrome and no experimental evidence demonstrating its impact on protein function have been reported. ClinVar contains an entry for this variant (Variation ID: 2589883). Based on the evidence outlined above, the variant was classified as uncertain significance.

Ambry Genetics
Classification: Likely benign for Inborn genetic diseases. Last evaluated: 2023-08-15. Review status: criteria provided, single submitter. Criteria: Ambry Variant Classification Scheme 2023. Collection method: clinical testing. Allele origin: germline.